The following is an entry in ClinVar:

NM_001382391.1(CSPP1):c.814C>T (p.Arg272Trp)

Gene: CSPP1 (centrosome and spindle pole associated protein 1; plus strand). Cytogenetic location: 8q13.1.
Variant type: single nucleotide variant.
Coding change: c.814C>T on transcript NM_001382391.1 (MANE Select); coding-DNA position 814, C replaced by T.
Protein change: p.Arg272Trp; replaces arginine 272 with tryptophan.
Molecular consequence: missense variant. On other transcripts: 5 prime UTR variant (1).
Genome position (GRCh38, 1-based): chr8:67,095,623, C>T. VCF-style: chr8-67095623-C-T. GRCh37 (hg19) VCF-style: chr8-68007858-C-T.
Other names: c.-42C>T (NM_001291339.2); c.733C>T, p.Arg245Trp (NM_001363131.2, NM_001363133.2); c.814C>T, p.Arg272Trp (NM_001363132.2); c.922C>T, p.Arg308Trp (NM_001364869.1); c.841C>T, p.Arg281Trp (NM_001364870.1, NM_024790.7); short protein forms R281W, R272W, R308W, R245W.
Identifiers: ClinVar variation 423591 (VCV000423591.15), dbSNP rs756423026, ClinGen allele CA4770364.

ClinVar aggregate classification (germline): Conflicting classifications of pathogenicity. Review status: criteria provided, conflicting classifications (1 of 4 stars). 4 submissions from 4 submitters: Uncertain significance (3); Likely benign (1). Last evaluated 2025-03-07.

Conditions:
Inborn genetic diseases. Identifiers: MedGen C0950123, MeSH D030342.
Joubert syndrome 21 (JBTS21). Identifiers: MedGen C3810212, MONDO:0014288, OMIM 615636.

Allele frequency attached by ClinVar (database versions not stated): gnomAD exomes 0.00006 and 0.00012; gnomAD 0.00008; TOPMed 0.00011; ExAC 0.00014.
gnomAD v4.1: 104 of 1,612,996 alleles (0.0064%); highest among the groups gnomAD compares: Middle Eastern, 0.033%; no homozygotes.

Submissions (4):

GeneDx
Classification: Uncertain significance. Last evaluated: 2025-03-07. Review status: criteria provided, single submitter. Criteria: GeneDx Variant Classification Process June 2021. Collection method: clinical testing. Allele origin: germline. Affected: yes.
Comment: In silico analysis supports that this missense variant has a deleterious effect on protein structure/function; Has not been previously published as pathogenic or benign to our knowledge

Labcorp Genetics (formerly Invitae), Labcorp
Classification: Uncertain significance for Joubert syndrome 21. Last evaluated: 2024-11-11. Review status: criteria provided, single submitter. Criteria: Invitae Variant Classification Sherloc (09022015). Collection method: clinical testing. Allele origin: germline.
Comment: This sequence change replaces arginine, which is basic and polar, with tryptophan, which is neutral and slightly polar, at codon 281 of the CSPP1 protein (p.Arg281Trp). This variant is present in population databases (rs756423026, gnomAD 0.03%). This variant has not been reported in the literature in individuals affected with CSPP1-related conditions. ClinVar contains an entry for this variant (Variation ID: 423591). An algorithm developed to predict the effect of missense changes on protein structure and function (PolyPhen-2) suggests that this variant¬†is likely to be tolerated. In summary, the available evidence is currently insufficient to determine the role of this variant in disease. Therefore, it has been classified as a Variant of Uncertain Significance.

3billion
Classification: Likely benign for Joubert syndrome 21. Last evaluated: 2024-09-20. Review status: criteria provided, single submitter. Criteria: ACMG Guidelines, 2015. Collection method: clinical testing. Allele origin: germline. Affected: no.
Comment: The homozygous variant was found in patients diagnosed with another variant in a different gene, with no symptoms related to the gene containing the homozygous variant.

Ambry Genetics
Classification: Uncertain significance for Inborn genetic diseases. Last evaluated: 2021-08-16. Review status: criteria provided, single submitter. Criteria: Ambry Variant Classification Scheme 2023. Collection method: clinical testing. Allele origin: germline.